The following is an entry in ClinVar:

ClinVar aggregate classification (germline): Likely benign. Review status: criteria provided, multiple submitters, no conflicts (2 of 4 stars). 3 submissions from 3 submitters: Likely benign (3). Last evaluated 2026-01-09.

Allele frequency attached by ClinVar (database versions not stated): ExAC 0.00004; gnomAD exomes 0.00006; gnomAD 0.00011 and 0.00013.
gnomAD v4.1: 247 of 1,551,718 alleles (0.016%); highest among the groups gnomAD compares: Non-Finnish European, 0.02%; no homozygotes.

Submissions (3):

Labcorp Genetics (formerly Invitae), Labcorp
Classification: Likely benign. Last evaluated: 2026-01-09. Review status: criteria provided, single submitter. Criteria: Invitae Variant Classification Sherloc (09022015). Collection method: clinical testing. Allele origin: germline.

Blueprint Genetics
Classification: Likely benign. Last evaluated: 2024-09-03. Review status: criteria provided, single submitter. Criteria: ACMG Guidelines, 2015. Collection method: clinical testing. Allele origin: germline.

CeGaT Center for Human Genetics Tuebingen
Classification: Likely benign. Last evaluated: 2024-06-01. Review status: criteria provided, single submitter. Criteria: CeGaT Center For Human Genetics Tuebingen Variant Classification Criteria Version 2. Collection method: clinical testing. Allele origin: germline. Affected: yes. Observed: 1 variant allele.
Comment: UNC80: BP4, BP7

NM_001371986.1(UNC80):c.5622C>T (p.Arg1874=)

Gene: UNC80 (unc-80 subunit of NALCN channel complex; plus strand). Cytogenetic location: 2q34.
Variant type: single nucleotide variant.
Coding change: c.5622C>T on transcript NM_001371986.1 (MANE Select); coding-DNA position 5622, C replaced by T.
Protein change: p.Arg1874=; no amino-acid change (arginine 1874 retained).
Molecular consequence: synonymous variant.
Genome position (GRCh38, 1-based): chr2:209,922,343, C>T. VCF-style: chr2-209922343-C-T. GRCh37 (hg19) VCF-style: chr2-210787067-C-T.
Other names: c.5424C>T, p.Arg1808= (NM_032504.2); c.5409C>T, p.Arg1803= (NM_182587.4).
Identifiers: ClinVar variation 1476603 (VCV001476603.27), dbSNP rs759269541, ClinGen allele CA2083305.